The following is an entry in ClinVar:

ClinVar aggregate classification (germline): Uncertain significance (1 of 4 stars; one submission).

Submission:

Labcorp Genetics (formerly Invitae), Labcorp
Classification: Uncertain significance. Last evaluated: 2024-03-14. Review status: criteria provided, single submitter. Criteria: Invitae Variant Classification Sherloc (09022015). Collection method: clinical testing. Allele origin: germline.
Comment: This sequence change replaces glutamine, which is neutral and polar, with histidine, which is basic and polar, at codon 386 of the LZTS1 protein (p.Gln386His). This variant is not present in population databases (gnomAD no frequency). This variant has not been reported in the literature in individuals affected with LZTS1-related conditions. Advanced modeling of protein sequence and biophysical properties (such as structural, functional, and spatial information, amino acid conservation, physicochemical variation, residue mobility, and thermodynamic stability) performed at Invitae indicates that this missense variant is expected to disrupt LZTS1 protein function with a positive predictive value of 80%. In summary, the available evidence is currently insufficient to determine the role of this variant in disease. Therefore, it has been classified as a Variant of Uncertain Significance.

NM_021020.5(LZTS1):c.1158G>T (p.Gln386His)

Gene: LZTS1 (leucine zipper tumor suppressor 1; minus strand). Cytogenetic location: 8p21.3.
Variant type: single nucleotide variant.
Coding change: c.1158G>T on transcript NM_021020.5 (MANE Select); coding-DNA position 1158, G replaced by T.
Protein change: p.Gln386His; replaces glutamine 386 with histidine.
Molecular consequence: missense variant.
Genome position (GRCh38, 1-based): chr8:20,250,355, C>A on the plus strand (G>T on the coding strand, the complement: LZTS1 is on the minus strand). VCF-style: chr8-20250355-C-A. GRCh37 (hg19) VCF-style: chr8-20107866-C-A.
Other names: c.1158G>T, p.Gln386His (NM_001362884.2); short protein forms Q386H.
Identifiers: ClinVar variation 3617366 (VCV003617366.2).